The following is an entry in ClinVar:

NM_003072.5(SMARCA4):c.2182C>G (p.Leu728Val)

Gene: SMARCA4 (SWI/SNF related BAF chromatin remodeling complex subunit ATPase 4; plus strand). Cytogenetic location: 19p13.2.
Variant type: single nucleotide variant.
Coding change: c.2182C>G on transcript NM_003072.5 (MANE Select); coding-DNA position 2182, C replaced by G.
Protein change: p.Leu728Val; replaces leucine 728 with valine.
Molecular consequence: missense variant. On other transcripts: non-coding transcript variant (1).
Genome position (GRCh38, 1-based): chr19:11,010,439, C>G. VCF-style: chr19-11010439-C-G. GRCh37 (hg19) VCF-style: chr19-11121115-C-G.
Other names: c.2182C>G, p.Leu728Val (NM_001128844.3, NM_001128845.2, NM_001128846.2 and 6 more transcripts); short protein forms L728V.
Identifiers: ClinVar variation 3446036 (VCV003446036.1).

ClinVar aggregate classification (germline): Uncertain significance (1 of 4 stars; one submission).

Conditions:
Hereditary cancer-predisposing syndrome. Also called: Tumor predisposition; Neoplastic Syndromes, Hereditary; Hereditary neoplastic syndrome; Hereditary Cancer Syndrome. Identifiers: Orphanet 140162, MedGen C0027672, MeSH D009386, MONDO:0015356.

Submission:

Ambry Genetics
Classification: Uncertain significance for Hereditary cancer-predisposing syndrome. Last evaluated: 2024-12-06. Review status: criteria provided, single submitter. Criteria: Ambry Variant Classification Scheme 2023. Collection method: clinical testing. Allele origin: germline.
Comment: The p.L728V variant (also known as c.2182C>G), located in coding exon 14 of the SMARCA4 gene, results from a C to G substitution at nucleotide position 2182. The leucine at codon 728 is replaced by valine, an amino acid with highly similar properties. This amino acid position is conserved. In addition, the in silico prediction for this alteration is inconclusive. Based on the available evidence, the clinical significance of this variant remains unclear.